The following is an entry in ClinVar:

NM_005045.4(RELN):c.5932A>G (p.Ile1978Val)

Gene: RELN (reelin; minus strand). Cytogenetic location: 7q22.1.
Variant type: single nucleotide variant.
Coding change: c.5932A>G on transcript NM_005045.4 (MANE Select); coding-DNA position 5932, A replaced by G.
Protein change: p.Ile1978Val; replaces isoleucine 1978 with valine.
Molecular consequence: missense variant.
Genome position (GRCh38, 1-based): chr7:103,553,697, T>C on the plus strand (A>G on the coding strand, the complement: RELN is on the minus strand). VCF-style: chr7-103553697-T-C. GRCh37 (hg19) VCF-style: chr7-103194144-T-C.
Other names: c.5932A>G, p.Ile1978Val (NM_173054.3); short protein forms I1978V.
Identifiers: ClinVar variation 838360 (VCV000838360.7), dbSNP rs778268821, ClinGen allele CA4421078.

ClinVar aggregate classification (germline): Uncertain significance (1 of 4 stars; one submission).

Conditions:
Norman-Roberts syndrome (LIS2). Also called: Lissencephaly 2 (Norman-Roberts type). Identifiers: Orphanet 89844, MedGen C0796089, MONDO:0009760, OMIM 257320.
Familial temporal lobe epilepsy 7. Identifiers: Orphanet 101046, MedGen C4225327, MONDO:0014639, OMIM 616436.

Allele frequency attached by ClinVar (database versions not stated): ExAC 0.00001; gnomAD 0.00001; gnomAD exomes 0.00001 and 0.00002; TOPMed 0.00001.
gnomAD v4.1: 10 of 1,614,074 alleles (0.00062%); highest among the groups gnomAD compares: East Asian, 0.0022%; no homozygotes.

Submission:

Labcorp Genetics (formerly Invitae), Labcorp
Classification: Uncertain significance for Familial temporal lobe epilepsy 7; Norman-Roberts syndrome. Last evaluated: 2024-08-19. Review status: criteria provided, single submitter. Criteria: Invitae Variant Classification Sherloc (09022015). Collection method: clinical testing. Allele origin: germline.
Comment: This sequence change replaces isoleucine, which is neutral and non-polar, with valine, which is neutral and non-polar, at codon 1978 of the RELN protein (p.Ile1978Val). This variant is present in population databases (rs778268821, gnomAD 0.002%). This variant has not been reported in the literature in individuals affected with RELN-related conditions. ClinVar contains an entry for this variant (Variation ID: 838360). Invitae Evidence Modeling of protein sequence and biophysical properties (such as structural, functional, and spatial information, amino acid conservation, physicochemical variation, residue mobility, and thermodynamic stability) indicates that this missense variant is not expected to disrupt RELN protein function with a negative predictive value of 80%. In summary, the available evidence is currently insufficient to determine the role of this variant in disease. Therefore, it has been classified as a Variant of Uncertain Significance.